The following is an entry in ClinVar:

NM_000260.4(MYO7A):c.6559-3C>T

Gene: MYO7A (myosin VIIA; plus strand). Cytogenetic location: 11q13.5.
Variant type: single nucleotide variant.
Coding change: c.6559-3C>T on transcript NM_000260.4 (MANE Select); 3 bases into the intron before coding-DNA position 6559, C replaced by T.
Molecular consequence: intron variant.
Genome position (GRCh38, 1-based): chr11:77,214,604, C>T. VCF-style: chr11-77214604-C-T. GRCh37 (hg19) VCF-style: chr11-76925649-C-T.
Other names: c.6412-3C>T (NM_001369365.1); c.6439-3C>T (NM_001127180.2).
Identifiers: ClinVar variation 1377240 (VCV001377240.6), dbSNP rs2135804991, ClinGen allele CA2573147851.

ClinVar aggregate classification (germline): Uncertain significance (1 of 4 stars; one submission).

Submission:

Labcorp Genetics (formerly Invitae), Labcorp
Classification: Uncertain significance. Last evaluated: 2025-08-18. Review status: criteria provided, single submitter. Criteria: Invitae Variant Classification Sherloc (09022015). Collection method: clinical testing. Allele origin: germline.
Comment: This sequence change falls in intron 48 of the MYO7A gene. It does not directly change the encoded amino acid sequence of the MYO7A protein. It affects a nucleotide within the consensus splice site. This variant is not present in population databases (gnomAD no frequency). This variant has not been reported in the literature in individuals affected with MYO7A-related conditions. ClinVar contains an entry for this variant (Variation ID: 1377240). Variants that disrupt the consensus splice site are a relatively common cause of aberrant splicing (PMID: 17576681, 9536098). Algorithms developed to predict the effect of sequence changes on RNA splicing suggest that this variant is not likely to affect RNA splicing. In summary, the available evidence is currently insufficient to determine the role of this variant in disease. Therefore, it has been classified as a Variant of Uncertain Significance.

Literature cited by the submitters: PubMed 17576681; PubMed 9536098.